The following is an entry in ClinVar:

NM_014317.5(PDSS1):c.878A>G (p.Tyr293Cys)

Gene: PDSS1 (decaprenyl diphosphate synthase subunit 1; plus strand). Cytogenetic location: 10p12.1.
Variant type: single nucleotide variant.
Coding change: c.878A>G on transcript NM_014317.5 (MANE Select); coding-DNA position 878, A replaced by G.
Protein change: p.Tyr293Cys; replaces tyrosine 293 with cysteine.
Molecular consequence: missense variant. On other transcripts: intron variant (1).
Genome position (GRCh38, 1-based): chr10:26,735,286, A>G. VCF-style: chr10-26735286-A-G. GRCh37 (hg19) VCF-style: chr10-27024215-A-G.
Other names: c.368A>G, p.Tyr123Cys (NM_001321979.2); c.836-7211A>G (NM_001321978.2); short protein forms Y123C, Y293C.
Identifiers: ClinVar variation 1716828 (VCV001716828.5), dbSNP rs772901240, ClinGen allele CA204408409.

ClinVar aggregate classification (germline): Uncertain significance (1 of 4 stars; one submission).

Allele frequency attached by ClinVar (database versions not stated): gnomAD exomes 0.00001.
gnomAD v4.1: 10 of 1,613,468 alleles (0.00062%); highest among the groups gnomAD compares: Non-Finnish European, 0.00085%; no homozygotes.

Submission:

Labcorp Genetics (formerly Invitae), Labcorp
Classification: Uncertain significance. Last evaluated: 2022-10-17. Review status: criteria provided, single submitter. Criteria: Invitae Variant Classification Sherloc (09022015). Collection method: clinical testing. Allele origin: germline.
Comment: In summary, the available evidence is currently insufficient to determine the role of this variant in disease. Therefore, it has been classified as a Variant of Uncertain Significance. Advanced modeling of protein sequence and biophysical properties (such as structural, functional, and spatial information, amino acid conservation, physicochemical variation, residue mobility, and thermodynamic stability) has been performed at Invitae for this missense variant, however the output from this modeling did not meet the statistical confidence thresholds required to predict the impact of this variant on PDSS1 protein function. This variant has not been reported in the literature in individuals affected with PDSS1-related conditions. This variant is not present in population databases (gnomAD no frequency). This sequence change replaces tyrosine, which is neutral and polar, with cysteine, which is neutral and slightly polar, at codon 293 of the PDSS1 protein (p.Tyr293Cys).